The following is an entry in ClinVar:

ClinVar aggregate classification (germline): Uncertain significance (1 of 4 stars; one submission).

Conditions:
Congenital myasthenic syndrome 20. Also called: Myasthenic syndrome, congenital, 20, presynaptic. Identifiers: MedGen C4310694, MONDO:0014939, OMIM 617143.
Neuronopathy, distal hereditary motor, type 7A. Also called: Neuronopathy, distal hereditary motor, type viia; NEURONOPATHY, DISTAL HEREDITARY MOTOR, HARDING TYPE VIIA; NEUROPATHY, DISTAL HEREDITARY MOTOR, HARDING TYPE VIIA; Neuronopathy, distal hereditary motor, autosomal dominant 7; HARPER-YOUNG MYOPATHY; HMN VIIA. Identifiers: Orphanet 139589, MedGen C1834703, MONDO:0008024, OMIM 158580.

gnomAD v4.1: 1 of 1,613,912 alleles (0.000062%); highest among the groups gnomAD compares: Non-Finnish European, 0.000085%; no homozygotes.

Submission:

Labcorp Genetics (formerly Invitae), Labcorp
Classification: Uncertain significance for Neuronopathy, distal hereditary motor, type 7A; Congenital myasthenic syndrome 20. Last evaluated: 2022-08-16. Review status: criteria provided, single submitter. Criteria: Invitae Variant Classification Sherloc (09022015). Collection method: clinical testing. Allele origin: germline.
Comment: In summary, the available evidence is currently insufficient to determine the role of this variant in disease. Therefore, it has been classified as a Variant of Uncertain Significance. Algorithms developed to predict the effect of missense changes on protein structure and function are either unavailable or do not agree on the potential impact of this missense change (SIFT: "Deleterious"; PolyPhen-2: "Possibly Damaging"; Align-GVGD: "Class C0"). ClinVar contains an entry for this variant (Variation ID: 663054). This variant has not been reported in the literature in individuals affected with SLC5A7-related conditions. This variant is not present in population databases (gnomAD no frequency). This sequence change replaces lysine, which is basic and polar, with isoleucine, which is neutral and non-polar, at codon 510 of the SLC5A7 protein (p.Lys510Ile).

NM_021815.5(SLC5A7):c.1529A>T (p.Lys510Ile)

Gene: SLC5A7 (solute carrier family 5 member 7; plus strand). Cytogenetic location: 2q12.3.
Variant type: single nucleotide variant.
Coding change: c.1529A>T on transcript NM_021815.5 (MANE Select); coding-DNA position 1529, A replaced by T.
Protein change: p.Lys510Ile; replaces lysine 510 with isoleucine.
Molecular consequence: missense variant.
Genome position (GRCh38, 1-based): chr2:108,010,647, A>T. VCF-style: chr2-108010647-A-T. GRCh37 (hg19) VCF-style: chr2-108627103-A-T.
Other names: c.1529A>T, p.Lys510Ile (NM_001305005.3); c.1214A>T, p.Lys405Ile (NM_001305006.3); c.788A>T, p.Lys263Ile (NM_001305007.3); short protein forms K405I, K263I, K510I.
Identifiers: ClinVar variation 663054 (VCV000663054.6), dbSNP rs199693962, ClinGen allele CA348114777.
Genomic context (GRCh38, chr2:108,010,647, plus strand): 5'-CCAACATTTGCATCTCCTATCTAGCCAAGTATCTATTTGAAAGTGGAACCTTGCCACCTA[A>T]ATTAGATGTATTTGATGCTGTTGTTGCAAGACACAGTGAAGAAAACATGGATAAGACAAT-3'
Protein context (NP_068587.1, residues 500-520): YLFESGTLPP[Lys510Ile]LDVFDAVVAR